The following is an entry in ClinVar:

NM_031892.3(SH3KBP1):c.1246G>A (p.Ala416Thr)

Gene: SH3KBP1 (SH3 domain containing kinase binding protein 1; minus strand). Cytogenetic location: Xp22.12.
Variant type: single nucleotide variant.
Coding change: c.1246G>A on transcript NM_031892.3 (MANE Select); coding-DNA position 1246, G replaced by A.
Protein change: p.Ala416Thr; replaces alanine 416 with threonine.
Molecular consequence: missense variant.
Genome position (GRCh38, 1-based): chrX:19,588,695, C>T on the plus strand (G>A on the coding strand, the complement: SH3KBP1 is on the minus strand). VCF-style: chrX-19588695-C-T. GRCh37 (hg19) VCF-style: chrX-19606813-C-T.
Other names: c.1135G>A, p.Ala379Thr (NM_001024666.3); c.532G>A, p.Ala178Thr (NM_001184960.2, NM_001353897.2); c.1246G>A, p.Ala416Thr (NM_001353890.2); c.1321G>A, p.Ala441Thr (NM_001353891.2, NM_001353892.2); c.1144G>A, p.Ala382Thr (NM_001353893.2, NM_001353894.2); c.1201G>A, p.Ala401Thr (NM_001353895.2); c.1378G>A, p.Ala460Thr (NM_001410756.1, NM_001410757.1); c.1069G>A, p.Ala357Thr (NM_001410758.1); short protein forms A178T, A382T, A401T, A416T, A460T, A441T, A357T, A379T.
Identifiers: ClinVar variation 3652162 (VCV003652162.2).

ClinVar aggregate classification (germline): Uncertain significance (1 of 4 stars; one submission).

gnomAD v4.1: 2 of 1,208,685 alleles (0.00017%); highest among the groups gnomAD compares: Admixed American, 0.0022%; no homozygotes.

Submission:

Labcorp Genetics (formerly Invitae), Labcorp
Classification: Uncertain significance. Last evaluated: 2024-07-29. Review status: criteria provided, single submitter. Criteria: Invitae Variant Classification Sherloc (09022015). Collection method: clinical testing. Allele origin: germline.
Comment: This sequence change replaces alanine, which is neutral and non-polar, with threonine, which is neutral and polar, at codon 416 of the SH3KBP1 protein (p.Ala416Thr). This variant is not present in population databases (gnomAD no frequency). This variant has not been reported in the literature in individuals affected with SH3KBP1-related conditions. Advanced modeling of protein sequence and biophysical properties (such as structural, functional, and spatial information, amino acid conservation, physicochemical variation, residue mobility, and thermodynamic stability) performed at Invitae indicates that this missense variant is not expected to disrupt SH3KBP1 protein function with a negative predictive value of 80%. In summary, the available evidence is currently insufficient to determine the role of this variant in disease. Therefore, it has been classified as a Variant of Uncertain Significance.